The following is an entry in ClinVar:

NM_004304.5(ALK):c.4654G>C (p.Gly1552Arg)

Gene: ALK (ALK receptor tyrosine kinase; minus strand). Cytogenetic location: 2p23.2.
Variant type: single nucleotide variant.
Coding change: c.4654G>C on transcript NM_004304.5 (MANE Select); coding-DNA position 4654, G replaced by C.
Protein change: p.Gly1552Arg; replaces glycine 1552 with arginine.
Molecular consequence: missense variant.
Genome position (GRCh38, 1-based): chr2:29,193,433, C>G on the plus strand (G>C on the coding strand, the complement: ALK is on the minus strand). VCF-style: chr2-29193433-C-G. GRCh37 (hg19) VCF-style: chr2-29416299-C-G.
Other names: c.1450G>C, p.Gly484Arg (NM_001353765.2); short protein forms G1552R, G484R.
Identifiers: ClinVar variation 1368389 (VCV001368389.8), dbSNP rs771570579, ClinGen allele CA346460519.

ClinVar aggregate classification (germline): Uncertain significance (1 of 4 stars; one submission).

Conditions:
Neuroblastoma, susceptibility to, 3. Also called: ALK-Related Neuroblastic Tumor Susceptibility. Identifiers: Orphanet 635, MedGen C2751681, MONDO:0013083, OMIM 613014.

gnomAD v4.1: 2 of 1,614,170 alleles (0.00012%); highest among the groups gnomAD compares: Non-Finnish European, 0.00017%; no homozygotes.

Submission:

Labcorp Genetics (formerly Invitae), Labcorp
Classification: Uncertain significance for Neuroblastoma, susceptibility to, 3. Last evaluated: 2021-07-18. Review status: criteria provided, single submitter. Criteria: Invitae Variant Classification Sherloc (09022015). Collection method: clinical testing. Allele origin: germline.
Comment: In summary, the available evidence is currently insufficient to determine the role of this variant in disease. Therefore, it has been classified as a Variant of Uncertain Significance. Algorithms developed to predict the effect of missense changes on protein structure and function are either unavailable or do not agree on the potential impact of this missense change (SIFT: "Deleterious"; PolyPhen-2: "Possibly Damaging"; Align-GVGD: "Class C0"). This variant has not been reported in the literature in individuals affected with ALK-related conditions. This variant is not present in population databases (ExAC no frequency). This sequence change replaces glycine with arginine at codon 1552 of the ALK protein (p.Gly1552Arg). The glycine residue is highly conserved and there is a moderate physicochemical difference between glycine and arginine.